The following is an entry in ClinVar:

NM_015915.5(ATL1):c.55T>C (p.Tyr19His)

Gene: ATL1 (atlastin GTPase 1; plus strand). Cytogenetic location: 14q22.1.
Variant type: single nucleotide variant.
Coding change: c.55T>C on transcript NM_015915.5 (MANE Select); coding-DNA position 55, T replaced by C.
Protein change: p.Tyr19His; replaces tyrosine 19 with histidine.
Molecular consequence: missense variant.
Genome position (GRCh38, 1-based): chr14:50,587,851, T>C. VCF-style: chr14-50587851-T-C. GRCh37 (hg19) VCF-style: chr14-51054569-T-C.
Other names: c.55T>C, p.Tyr19His (NM_001127713.1, NM_181598.4); short protein forms Y19H.
Identifiers: ClinVar variation 3629724 (VCV003629724.1).

ClinVar aggregate classification (germline): Uncertain significance (1 of 4 stars; one submission).

Submission:

Women's Health and Genetics/Laboratory Corporation of America, LabCorp
Classification: Uncertain significance. Last evaluated: 2024-11-11. Review status: criteria provided, single submitter. Criteria: LabCorp Variant Classification Summary - May 2015. Collection method: clinical testing. Allele origin: germline.
Comment: Variant summary: ATL1 c.55T>C (p.Tyr19His) results in a conservative amino acid change in the encoded protein sequence. Five of five in-silico tools predict a benign effect of the variant on protein function. The variant was absent in 251474 control chromosomes. The available data on variant occurrences in the general population are insufficient to allow any conclusion about variant significance. To our knowledge, no occurrence of c.55T>C in individuals affected with Hereditary spastic paraplegia 3A and no experimental evidence demonstrating its impact on protein function have been reported. No submitters have cited clinical-significance assessments for this variant to ClinVar. Based on the evidence outlined above, the variant was classified as uncertain significance.